The following is an entry in ClinVar:

NM_005529.7(HSPG2):c.11938G>A (p.Val3980Met)

Gene: HSPG2 (heparan sulfate proteoglycan 2; minus strand). Cytogenetic location: 1p36.12.
Variant type: single nucleotide variant.
Coding change: c.11938G>A on transcript NM_005529.7 (MANE Select); coding-DNA position 11938, G replaced by A.
Protein change: p.Val3980Met; replaces valine 3980 with methionine.
Molecular consequence: missense variant.
Genome position (GRCh38, 1-based): chr1:21,829,437, C>T on the plus strand (G>A on the coding strand, the complement: HSPG2 is on the minus strand). VCF-style: chr1-21829437-C-T. GRCh37 (hg19) VCF-style: chr1-22155930-C-T.
Other names: c.11938G>A (NM_005529.5); c.11941G>A, p.Val3981Met (NM_001291860.2); short protein forms V3980M, V3981M.
Identifiers: ClinVar variation 439804 (VCV000439804.17), dbSNP rs147860819, ClinGen allele CA669574.

ClinVar aggregate classification (germline): Uncertain significance. Review status: criteria provided, multiple submitters, no conflicts (2 of 4 stars). 5 submissions from 5 submitters: Uncertain significance (5). Last evaluated 2025-05-14.

Conditions:
Inborn genetic diseases. Identifiers: MedGen C0950123, MeSH D030342.

Allele frequency attached by ClinVar (database versions not stated): ExAC 0.00011; TOPMed 0.00056; ESP Exome Variant Server 0.00069; gnomAD 0.00053; 1000 Genomes Project 30x 0.00031; 1000 Genomes Project 0.00040.
gnomAD v4.1: 138 of 1,613,424 alleles (0.0086%); highest among the groups gnomAD compares: African/African-American, 0.15%; no homozygotes.

Submissions (5):

Ambry Genetics
Classification: Uncertain significance for Inborn genetic diseases. Last evaluated: 2025-05-14. Review status: criteria provided, single submitter. Criteria: Ambry Variant Classification Scheme 2023. Collection method: clinical testing. Allele origin: germline.

Labcorp Genetics (formerly Invitae), Labcorp
Classification: Uncertain significance. Last evaluated: 2025-01-27. Review status: criteria provided, single submitter. Criteria: Invitae Variant Classification Sherloc (09022015). Collection method: clinical testing. Allele origin: germline.
Comment: This sequence change replaces valine, which is neutral and non-polar, with methionine, which is neutral and non-polar, at codon 3980 of the HSPG2 protein (p.Val3980Met). This variant is present in population databases (rs147860819, gnomAD 0.1%). This variant has not been reported in the literature in individuals affected with HSPG2-related conditions. ClinVar contains an entry for this variant (Variation ID: 439804). An algorithm developed to predict the effect of missense changes on protein structure and function (PolyPhen-2) suggests that this variant is likely to be disruptive. In summary, the available evidence is currently insufficient to determine the role of this variant in disease. Therefore, it has been classified as a Variant of Uncertain Significance.

Athena Diagnostics
Classification: Uncertain significance. Last evaluated: 2022-06-30. Review status: criteria provided, single submitter. Criteria: Athena Diagnostics Criteria. Collection method: clinical testing. Allele origin: unknown.

Revvity Omics, Revvity
Classification: Uncertain significance. Last evaluated: 2019-09-03. Review status: criteria provided, single submitter. Criteria: ACMG Guidelines, 2015. Collection method: clinical testing. Allele origin: germline.

ARUP Laboratories, Molecular Genetics and Genomics, ARUP Laboratories
Classification: Uncertain significance. Last evaluated: 2016-09-22. Review status: criteria provided, single submitter. Criteria: ARUP Molecular Germline Variant Investigation Process. Collection method: clinical testing. Allele origin: germline.